The following is an entry in ClinVar:

ClinVar aggregate classification (germline): Uncertain significance. Review status: criteria provided, multiple submitters, no conflicts (2 of 4 stars). 2 submissions from 2 submitters: Uncertain significance (2). Last evaluated 2025-02-15.

Conditions:
Mevalonic aciduria (MEVA). Identifiers: Orphanet 29, MedGen C1959626, MONDO:0012481, OMIM 610377.
Hyperimmunoglobulin D with periodic fever (HIDS). Also called: Hyperimmunoglobulinemia D with periodic fever; Hyperimmunoglobulinemia D; HYPERIMMUNOGLOBULINEMIA D AND PERIODIC FEVER SYNDROME. Identifiers: Orphanet 343, MedGen C0398691, MONDO:0009849, OMIM 260920.
Porokeratosis 3, disseminated superficial actinic type (POROK3). Also called: POROKERATOSIS 3, MULTIPLE TYPES; POROKERATOSIS 3, MIBELLI TYPE; POROKERATOSIS, DISSEMINATED SUPERFICIAL ACTINIC, 1. Identifiers: MedGen C1867981, MONDO:0008293, OMIM 175900.

gnomAD v4.1: 5 of 1,614,220 alleles (0.00031%); highest among the groups gnomAD compares: African/African-American, 0.0067%; no homozygotes.

Submissions (2):

Labcorp Genetics (formerly Invitae), Labcorp
Classification: Uncertain significance for Mevalonic aciduria; Hyperimmunoglobulin D with periodic fever; Porokeratosis 3, disseminated superficial actinic type. Last evaluated: 2025-02-15. Review status: criteria provided, single submitter. Criteria: Invitae Variant Classification Sherloc (09022015). Collection method: clinical testing. Allele origin: germline.
Comment: This sequence change replaces glycine, which is neutral and non-polar, with alanine, which is neutral and non-polar, at codon 283 of the MVK protein (p.Gly283Ala). This variant is present in population databases (rs529327786, gnomAD 0.02%). This variant has not been reported in the literature in individuals affected with MVK-related conditions. ClinVar contains an entry for this variant (Variation ID: 3574241). An algorithm developed to predict the effect of missense changes on protein structure and function outputs the following: PolyPhen-2: "Benign". The alanine amino acid residue is found in multiple mammalian species, which suggests that this missense change does not adversely affect protein function. In summary, the available evidence is currently insufficient to determine the role of this variant in disease. Therefore, it has been classified as a Variant of Uncertain Significance.

Fulgent Genetics
Classification: Uncertain significance for Porokeratosis 3, disseminated superficial actinic type; Hyperimmunoglobulin D with periodic fever; Mevalonic aciduria. Last evaluated: 2024-03-30. Review status: criteria provided, single submitter. Criteria: ACMG Guidelines, 2015. Collection method: clinical testing. Allele origin: germline.

NM_000431.4(MVK):c.848G>C (p.Gly283Ala)

Gene: MVK (mevalonate kinase; plus strand). Cytogenetic location: 12q24.11.
Variant type: single nucleotide variant.
Coding change: c.848G>C on transcript NM_000431.4 (MANE Select); coding-DNA position 848, G replaced by C.
Protein change: p.Gly283Ala; replaces glycine 283 with alanine.
Molecular consequence: missense variant. On other transcripts: non-coding transcript variant (4).
Genome position (GRCh38, 1-based): chr12:109,591,320, G>C. VCF-style: chr12-109591320-G-C. GRCh37 (hg19) VCF-style: chr12-110029125-G-C.
Other names: c.848G>C, p.Gly283Ala (NM_001114185.3, NM_001414511.1, NM_001414513.1); c.692G>C, p.Gly231Ala (NM_001301182.2, NM_001414514.1); c.923G>C, p.Gly308Ala (NM_001414512.1); c.266G>C, p.Gly89Ala (NM_001414515.1); short protein forms G231A, G283A, G308A, G89A.
Identifiers: ClinVar variation 3574241 (VCV003574241.2).